The following is an entry in ClinVar:

NM_206937.2(LIG4):c.2035G>A (p.Glu679Lys)

Gene: LIG4 (DNA ligase 4; minus strand). Cytogenetic location: 13q33.3.
Variant type: single nucleotide variant.
Coding change: c.2035G>A on transcript NM_206937.2 (MANE Select); coding-DNA position 2035, G replaced by A.
Protein change: p.Glu679Lys; replaces glutamic acid 679 with lysine.
Molecular consequence: missense variant.
Genome position (GRCh38, 1-based): chr13:108,209,234, C>T on the plus strand (G>A on the coding strand, the complement: LIG4 is on the minus strand). VCF-style: chr13-108209234-C-T. GRCh37 (hg19) VCF-style: chr13-108861582-C-T.
Other names: c.2035G>A, p.Glu679Lys (NM_001098268.2, NM_001352598.2, NM_001352599.2 and 6 more transcripts); c.1834G>A, p.Glu612Lys (NM_001330595.2); c.2071G>A, p.Glu691Lys (NM_001352604.2); short protein forms E679K, E612K, E691K.
Identifiers: ClinVar variation 1429192 (VCV001429192.6), dbSNP rs957569908, ClinGen allele CA388614360.

ClinVar aggregate classification (germline): Uncertain significance (1 of 4 stars; one submission).

Conditions:
DNA ligase IV deficiency. Identifiers: Orphanet 99812, MedGen C1847827, MONDO:0011686, OMIM 606593.

gnomAD v4.1: 1 of 1,614,146 alleles (0.000062%); highest among the groups gnomAD compares: Non-Finnish European, 0.000085%; no homozygotes.

Submission:

Labcorp Genetics (formerly Invitae), Labcorp
Classification: Uncertain significance for DNA ligase IV deficiency. Last evaluated: 2023-08-17. Review status: criteria provided, single submitter. Criteria: Invitae Variant Classification Sherloc (09022015). Collection method: clinical testing. Allele origin: germline.
Comment: In summary, the available evidence is currently insufficient to determine the role of this variant in disease. Therefore, it has been classified as a Variant of Uncertain Significance. Advanced modeling of protein sequence and biophysical properties (such as structural, functional, and spatial information, amino acid conservation, physicochemical variation, residue mobility, and thermodynamic stability) performed at Invitae indicates that this missense variant is expected to disrupt LIG4 protein function. ClinVar contains an entry for this variant (Variation ID: 1429192). This variant has not been reported in the literature in individuals affected with LIG4-related conditions. This variant is not present in population databases (gnomAD no frequency). This sequence change replaces glutamic acid, which is acidic and polar, with lysine, which is basic and polar, at codon 679 of the LIG4 protein (p.Glu679Lys).